The following is an entry in ClinVar:

ClinVar aggregate classification (germline): Uncertain significance (1 of 4 stars; one submission).

Conditions:
Inborn genetic diseases. Identifiers: MedGen C0950123, MeSH D030342.

gnomAD v4.1: 3 of 1,550,540 alleles (0.00019%); highest among the groups gnomAD compares: Non-Finnish European, 0.00026%; no homozygotes.

Submission:

Ambry Genetics
Classification: Uncertain significance for Inborn genetic diseases. Last evaluated: 2024-12-01. Review status: criteria provided, single submitter. Criteria: Ambry Variant Classification Scheme 2023. Collection method: clinical testing. Allele origin: germline.
Comment: The p.Q669H variant (also known as c.2007G>C), located in coding exon 22 of the FANCA gene, results from a G to C substitution at nucleotide position 2007. The glutamine at codon 669 is replaced by histidine, an amino acid with highly similar properties. This amino acid position is conserved. In addition, this alteration is predicted to be tolerated by in silico analysis. Based on the available evidence, the clinical significance of this variant remains unclear.

NM_000135.4(FANCA):c.2007G>C (p.Gln669His)

Gene: FANCA (FA complementation group A; minus strand). Cytogenetic location: 16q24.3.
Variant type: single nucleotide variant.
Coding change: c.2007G>C on transcript NM_000135.4 (MANE Select); coding-DNA position 2007, G replaced by C.
Protein change: p.Gln669His; replaces glutamine 669 with histidine.
Molecular consequence: missense variant.
Genome position (GRCh38, 1-based): chr16:89,773,278, C>G on the plus strand (G>C on the coding strand, the complement: FANCA is on the minus strand). VCF-style: chr16-89773278-C-G. GRCh37 (hg19) VCF-style: chr16-89839686-C-G.
Other names: c.2007G>C, p.Gln669His (NM_001286167.3); short protein forms Q669H.
Identifiers: ClinVar variation 3512698 (VCV003512698.1).